The following is an entry in ClinVar:

ClinVar aggregate classification (germline): Uncertain significance. Review status: criteria provided, multiple submitters, no conflicts (2 of 4 stars). 2 submissions from 2 submitters: Uncertain significance (2). Last evaluated 2023-12-26.

Conditions:
Senior-Loken syndrome 7 (SLSN7). Identifiers: Orphanet 3156, MedGen C3150877, MONDO:0013326, OMIM 613615.
Bardet-Biedl syndrome 16 (BBS16). Identifiers: Orphanet 110, MedGen C3889474, MONDO:0014444, OMIM 615993.

Allele frequency attached by ClinVar (database versions not stated): gnomAD exomes below 0.00001 and 0.00001; ExAC 0.00002.
gnomAD v4.1: 6 of 1,614,240 alleles (0.00037%); highest among the groups gnomAD compares: Middle Eastern, 0.016%; no homozygotes.

Submissions (2):

Blueprint Genetics
Classification: Uncertain significance. Last evaluated: 2023-12-26. Review status: criteria provided, single submitter. Criteria: ACMG Guidelines, 2015. Collection method: clinical testing. Allele origin: germline.

Labcorp Genetics (formerly Invitae), Labcorp
Classification: Uncertain significance for Bardet-Biedl syndrome 16; Senior-Loken syndrome 7. Last evaluated: 2021-08-27. Review status: criteria provided, single submitter. Criteria: Invitae Variant Classification Sherloc (09022015). Collection method: clinical testing. Allele origin: germline.
Comment: This sequence change replaces tyrosine with cysteine at codon 337 of the SDCCAG8 protein (p.Tyr337Cys). The tyrosine residue is highly conserved and there is a large physicochemical difference between tyrosine and cysteine. This variant is present in population databases (rs771991355, ExAC 0.003%). This variant has not been reported in the literature in individuals affected with SDCCAG8-related conditions. Algorithms developed to predict the effect of missense changes on protein structure and function output the following: SIFT: "Tolerated"; PolyPhen-2: "Benign"; Align-GVGD: "Class C0". The cysteine amino acid residue is found in multiple mammalian species, which suggests that this missense change does not adversely affect protein function. In summary, the available evidence is currently insufficient to determine the role of this variant in disease. Therefore, it has been classified as a Variant of Uncertain Significance.

NM_006642.5(SDCCAG8):c.1010A>G (p.Tyr337Cys)

Gene: SDCCAG8 (SHH signaling and ciliogenesis regulator SDCCAG8; plus strand). Cytogenetic location: 1q43.
Variant type: single nucleotide variant.
Coding change: c.1010A>G on transcript NM_006642.5 (MANE Select); coding-DNA position 1010, A replaced by G.
Protein change: p.Tyr337Cys; replaces tyrosine 337 with cysteine.
Molecular consequence: missense variant.
Genome position (GRCh38, 1-based): chr1:243,316,835, A>G. VCF-style: chr1-243316835-A-G. GRCh37 (hg19) VCF-style: chr1-243480137-A-G.
Other names: c.107A>G, p.Tyr36Cys (NM_001350246.2, NM_001350247.2, NM_001350251.2); c.1106A>G, p.Tyr369Cys (NM_001350248.2); c.716A>G, p.Tyr239Cys (NM_001350249.2); short protein forms Y239C, Y337C, Y369C, Y36C.
Identifiers: ClinVar variation 1008004 (VCV001008004.7), dbSNP rs771991355, ClinGen allele CA1483516.